The following is an entry in ClinVar:

NM_178452.6(DNAAF1):c.742_743delinsAA (p.Arg248Asn)

Gene: DNAAF1 (dynein axonemal assembly factor 1; plus strand). Cytogenetic location: 16q24.1.
Variant type: Indel.
Coding change: c.742_743delinsAA on transcript NM_178452.6 (MANE Select); coding-DNA positions 742 to 743, CG replaced by AA.
Protein change: p.Arg248Asn; replaces arginine 248 with asparagine.
Molecular consequence: missense variant. On other transcripts: 5 prime UTR variant (1).
Genome position (GRCh38, 1-based): chr16:84,159,675-84,159,676, CG replaced by AA. VCF-style: chr16-84159675-CG-AA. GRCh37 (hg19) VCF-style: chr16-84193280-CG-AA.
Other names: c.-15_-14delinsAA (NM_001318756.1); short protein forms R248N.
Identifiers: ClinVar variation 1399106 (VCV001399106.16), dbSNP rs2151234537, ClinGen allele CA2573152748.
Genomic context (GRCh38, chr16:84,159,675, plus strand): 5'-TATAAAATAATTCAATCGCATCTTTCAGTAATCATTTTGGTTCTGCTTGTCTTCTTGCAG[CG>AA]TGTACTGAATTTGATGGGAAACCCGGTTATCAGACAGATTCCTAATTACAGAAGGACAGT-3'
Protein context (NP_848547.4, residues 238-258): LSILESMPDL[Arg248Asn]VLNLMGNPVI

ClinVar aggregate classification (germline): Uncertain significance. Review status: criteria provided, multiple submitters, no conflicts (2 of 4 stars). 2 submissions from 2 submitters: Uncertain significance (2). Last evaluated 2022-10-10.

Conditions:
Primary ciliary dyskinesia. Also called: Ciliary dyskinesia. Identifiers: Orphanet 244, MedGen C0008780, MONDO:0016575, HP:0012265.

Submissions (2):

Labcorp Genetics (formerly Invitae), Labcorp
Classification: Uncertain significance for Primary ciliary dyskinesia. Last evaluated: 2022-10-10. Review status: criteria provided, single submitter. Criteria: Invitae Variant Classification Sherloc (09022015). Collection method: clinical testing. Allele origin: germline.
Comment: In summary, the available evidence is currently insufficient to determine the role of this variant in disease. Therefore, it has been classified as a Variant of Uncertain Significance. Algorithms developed to predict the effect of missense changes on protein structure and function are either unavailable or do not agree on the potential impact of this missense change (SIFT: "Not Available"; PolyPhen-2: "Possibly Damaging"; Align-GVGD: "Not Available"). ClinVar contains an entry for this variant (Variation ID: 1399106). This variant has not been reported in the literature in individuals affected with DNAAF1-related conditions. This variant is present in population databases (no rsID available, gnomAD 0.3%). This sequence change replaces arginine, which is basic and polar, with asparagine, which is neutral and polar, at codon 248 of the DNAAF1 protein (p.Arg248Asn).

Ambry Genetics
Classification: Uncertain significance for Primary ciliary dyskinesia. Last evaluated: 2015-08-03. Review status: criteria provided, single submitter. Criteria: Ambry Variant Classification Scheme 2023. Collection method: clinical testing. Allele origin: germline.
Comment: The c.742_743delCGinsAA variant, located in coding exon 6 of the DNAAF1 gene, results from an in-frame deletion of CG and insertion of AA between nucleotide positions 742 and 743. This results in the substitution of the arginine residue for an asparagine residue at codon 248, an amino acid with similar properties. This variant was not reported in population based cohorts in the following databases: Database of Single Nucleotide Polymorphisms (dbSNP), NHLBI Exome Sequencing Project (ESP), and 1000 Genomes Project. In the ESP, this variant was not observed in 6500 samples (13000 alleles) with coverage at this position. This amino acid position is well conserved in available vertebrate species. Since supporting evidence is limited at this time, the clinical significance of this variant remains unclear.